The following is an entry in ClinVar:

NM_020771.4(HACE1):c.76+9G>A

Genes: HACE1 (HECT domain and ankyrin repeat containing E3 ubiquitin protein ligase 1; minus strand), LOC113121301 (Sharpr-MPRA regulatory region 9880; plus strand). Cytogenetic location: 6q16.3.
Variant type: single nucleotide variant.
Coding change: c.76+9G>A on transcript NM_020771.4 (MANE Select); 9 bases into the intron after coding-DNA position 76, G replaced by A.
Molecular consequence: intron variant.
Genome position (GRCh38, 1-based): chr6:104,859,558, C>T on the plus strand (G>A on the coding strand, the complement: HACE1 is on the minus strand). VCF-style: chr6-104859558-C-T. GRCh37 (hg19) VCF-style: chr6-105307433-C-T.
Other names: c.76+9G>A (NM_001350555.2, NM_001321080.2); c.-500+9G>A (NM_001350560.2); c.-270+9G>A (NM_001350557.2); c.-335+9G>A (NM_001350556.2); c.-292+9G>A (NM_001350559.2); c.-346+9G>A (NM_001350558.2); c.-85+9G>A (NM_001350554.2).
Identifiers: ClinVar variation 3030552 (VCV003030552.4), dbSNP rs535618657, ClinGen allele CA144928761.
Genomic context (GRCh38, chr6:104,859,558, plus strand): 5'-CGGCCGGAGCTCCTGCCCCACTGGCCGCCCCCAGCCCCGCGGCCAGCCTGGCCCCGCGAC[C>T]CGGCTCACCCTCGGGCAACTCCACGGTGCGCGCGCGGCGCAGCGAGCGCGTCAGGCGGTT-3'

ClinVar aggregate classification (germline): Likely benign. Review status: criteria provided, single submitter (1 of 4 stars). 2 submissions from 2 submitters: Likely benign (1). 1 of the submissions does not count toward it. Last evaluated 2024-11-21.

Conditions:
HACE1-related disorder. Also called: HACE1-related condition.

Allele frequency attached by ClinVar (database versions not stated): gnomAD exomes 0.00002; gnomAD 0.00003; TOPMed 0.00003.

Submissions (2):

Labcorp Genetics (formerly Invitae), Labcorp
Classification: Likely benign. Last evaluated: 2024-11-21. Review status: criteria provided, single submitter. Criteria: Invitae Variant Classification Sherloc (09022015). Collection method: clinical testing. Allele origin: germline.

PreventionGenetics, part of Exact Sciences
Classification: Likely benign for HACE1-related condition. Last evaluated: 2023-06-16. Review status: no assertion criteria provided. Collection method: clinical testing. Allele origin: germline. Not counted in ClinVar's aggregate classification.
Comment: This variant is classified as likely benign based on ACMG/AMP sequence variant interpretation guidelines (Richards et al. 2015 PMID: 25741868, with internal and published modifications).